The following is an entry in ClinVar:

NM_013382.7(POMT2):c.-124G>A

Genes: POMT2 (protein O-mannosyltransferase 2; minus strand), LOC130056177 (ATAC-STARR-seq lymphoblastoid silent region 5970; plus strand). Cytogenetic location: 14q24.3.
Variant type: single nucleotide variant.
Coding change: c.-124G>A on transcript NM_013382.7 (MANE Select); 124 bases upstream of the start codon, G replaced by A.
Molecular consequence: 5 prime UTR variant.
Genome position (GRCh38, 1-based): chr14:77,320,805, C>T on the plus strand (G>A on the coding strand, the complement: POMT2 is on the minus strand). VCF-style: chr14-77320805-C-T. GRCh37 (hg19) VCF-style: chr14-77787148-C-T.
Identifiers: ClinVar variation 314565 (VCV000314565.7), dbSNP rs147337187, ClinGen allele CA10635398.

ClinVar aggregate classification (germline): Benign. Review status: criteria provided, multiple submitters, no conflicts (2 of 4 stars). 3 submissions from 3 submitters: Benign (3). Last evaluated 2018-06-16.

Conditions:
Autosomal recessive limb-girdle muscular dystrophy type 2N. Also called: MUSCULAR DYSTROPHY-DYSTROGLYCANOPATHY, LIMB-GIRDLE, POMT2-RELATED; Muscular dystrophy-dystroglycanopathy (limb-girdle), type C, 2. Identifiers: Orphanet 206559, MedGen C3150418, MONDO:0013162, OMIM 613158.

Allele frequency attached by ClinVar (database versions not stated): gnomAD exomes 0.04023; 1000 Genomes Project 0.05212; 1000 Genomes Project 30x 0.05356; gnomAD 0.05769 and 0.06001; TOPMed 0.05842.
gnomAD v4.1: 59,311 of 1,405,586 alleles (4.2%); highest among the groups gnomAD compares: African/African-American, 11%; 1,526 homozygotes.

Submissions (3):

GeneDx
Classification: Benign. Last evaluated: 2018-06-16. Review status: criteria provided, single submitter. Criteria: GeneDx Variant Classification (06012015). Collection method: clinical testing. Allele origin: germline. Affected: yes.
Comment: This variant is considered likely benign or benign based on one or more of the following criteria: it is a conservative change, it occurs at a poorly conserved position in the protein, it is predicted to be benign by multiple in silico algorithms, and/or has population frequency not consistent with disease.

Illumina Laboratory Services, Illumina
Classification: Benign for Autosomal recessive limb-girdle muscular dystrophy type 2N. Last evaluated: 2018-01-13. Review status: criteria provided, single submitter. Criteria: ICSL Variant Classification Criteria 13 December 2019. Collection method: clinical testing. Allele origin: germline.
Comment: This variant was observed in the ICSL laboratory as part of a predisposition screen in an ostensibly healthy population. It had not been previously curated by ICSL or reported in the Human Gene Mutation Database (HGMD: prior to June 1st, 2018), and was therefore a candidate for classification through an automated scoring system. Utilizing variant allele frequency, disease prevalence and penetrance estimates, and inheritance mode, an automated score was calculated to assess if this variant is too frequent to cause the disease. Based on the score and internal cut-off values, a variant classified as benign is not then subjected to further curation. The score for this variant resulted in a classification of benign for this disease.

Breakthrough Genomics
Classification: Benign. Review status: criteria provided, single submitter. Criteria: ACMG Guidelines, 2015. Collection method: not provided. Allele origin: germline. Inheritance: Autosomal recessive inheritance. Affected: yes.